The following is an entry in ClinVar:

NC_000006.11:g.(?_123537483)_(123958096_?)dup

Gene: TRDN (triadin; minus strand). Cytogenetic location: 6q22.31.
Variant type: Duplication.
Identifiers: ClinVar variation 4853305 (VCV004853305.1).

ClinVar aggregate classification (germline): Uncertain significance (1 of 4 stars; one submission).

Submission:

Women's Health and Genetics/Laboratory Corporation of America, LabCorp
Classification: Uncertain significance. Last evaluated: 2026-05-11. Review status: criteria provided, single submitter. Criteria: LabCorp Variant Classification Summary - May 2015. Collection method: clinical testing. Allele origin: germline.
Comment: Variant summary: The variant involves the duplication of exons 1-41 in the TRDN gene. A presumed nomenclature of c.(?_-176)_(*2263_?)dup has been designated for the purposes of this classification. This duplication includes the entire coding sequence of the gene. As exact breakpoints are unknown, it may extend beyond the annotated region of the gene, to include other flanking genes. The variant allele was found at a frequency of 9.2e-05 in 21694 control chromosomes. The available data on variant occurrences in the general population are insufficient to allow any conclusion about variant significance. To our knowledge, c.(?_-176)_(*2263_?)dup has not been observed in individual(s) affected with Catecholaminergic Polymorphic Ventricular Tachycardia and no experimental evidence demonstrating an impact on protein function has been reported. ClinVar contains entries for this variant (Variation ID: 1411467, 532435, 1003955, 1411466 ). Based on the evidence outlined above, the variant was classified as uncertain significance.

Literature cited by the submitters: PubMed 41300778.